The following is an entry in ClinVar:

ClinVar aggregate classification (germline): Uncertain significance (1 of 4 stars; one submission).

Conditions:
Developmental and epileptic encephalopathy, 36 (DEE36). Also called: Epileptic encephalopathy, early infantile, 36; Congenital disorder of glycosylation, type Is; ALG13-CDG. Identifiers: Orphanet 324422, MedGen C4317295, MONDO:0010472, OMIM 300884.

Allele frequency attached by ClinVar (database versions not stated): gnomAD exomes below 0.00001.

Submission:

Labcorp Genetics (formerly Invitae), Labcorp
Classification: Uncertain significance for Developmental and epileptic encephalopathy, 36. Last evaluated: 2022-08-01. Review status: criteria provided, single submitter. Criteria: Invitae Variant Classification Sherloc (09022015). Collection method: clinical testing. Allele origin: germline.
Comment: This sequence change replaces proline, which is neutral and non-polar, with serine, which is neutral and polar, at codon 1134 of the ALG13 protein (p.Pro1134Ser). This variant is not present in population databases (gnomAD no frequency). This variant has not been reported in the literature in individuals affected with ALG13-related conditions. Algorithms developed to predict the effect of missense changes on protein structure and function are either unavailable or do not agree on the potential impact of this missense change (SIFT: "Tolerated"; PolyPhen-2: "Possibly Damaging"; Align-GVGD: "Class C15"). In summary, the available evidence is currently insufficient to determine the role of this variant in disease. Therefore, it has been classified as a Variant of Uncertain Significance.

NM_001099922.3(ALG13):c.3400C>T (p.Pro1134Ser)

Gene: ALG13 (ALG13 UDP-N-acetylglucosaminyltransferase subunit; plus strand). Cytogenetic location: Xq23.
Variant type: single nucleotide variant.
Coding change: c.3400C>T on transcript NM_001099922.3 (MANE Select); coding-DNA position 3400, C replaced by T.
Protein change: p.Pro1134Ser; replaces proline 1134 with serine.
Molecular consequence: missense variant. On other transcripts: non-coding transcript variant (1).
Genome position (GRCh38, 1-based): chrX:111,759,985, C>T. VCF-style: chrX-111759985-C-T. GRCh37 (hg19) VCF-style: chrX-111003213-C-T.
Other names: c.2851C>T, p.Pro951Ser (NM_001257230.2, NM_001257234.2, NM_001257237.2); c.3166C>T, p.Pro1056Ser (NM_001257231.2); c.3163C>T, p.Pro1055Ser (NM_001324292.2); c.2677C>T, p.Pro893Ser (NM_001324293.1); short protein forms P1134S, P1056S, P951S, P1055S, P893S.
Identifiers: ClinVar variation 2123899 (VCV002123899.1), dbSNP rs2526600346, ClinGen allele CA414293880.